The following is an entry in ClinVar:

NM_001139.3(ALOX12B):c.1495C>T (p.Arg499Cys)

Gene: ALOX12B (arachidonate 12-lipoxygenase, 12R type; minus strand). Cytogenetic location: 17p13.1.
Variant type: single nucleotide variant.
Coding change: c.1495C>T on transcript NM_001139.3 (MANE Select); coding-DNA position 1495, C replaced by T.
Protein change: p.Arg499Cys; replaces arginine 499 with cysteine.
Molecular consequence: missense variant.
Genome position (GRCh38, 1-based): chr17:8,076,212, G>A on the plus strand (C>T on the coding strand, the complement: ALOX12B is on the minus strand). VCF-style: chr17-8076212-G-A. GRCh37 (hg19) VCF-style: chr17-7979530-G-A.
Other names: short protein forms R499C.
Identifiers: ClinVar variation 995748 (VCV000995748.6), dbSNP rs368323729, ClinGen allele CA8367291.
Genomic context (GRCh38, chr17:8,076,212, plus strand): 5'-ACCCACTGCTGTCCTGAGCTCACTTCTCCAGTGCATTCCACACCGCCAAGCTGTCATCGC[G>A]GTAGTAATATCCAGGCAGGTCCTGGACCCCACGCTCCACAAAGTCATTGGGGAGGTAGAG-3'
Protein context (NP_001130.1, residues 489-509): GVQDLPGYYY[Arg499Cys]DDSLAVWNAL

ClinVar aggregate classification (germline): Conflicting classifications of pathogenicity. Review status: criteria provided, conflicting classifications (1 of 4 stars). 3 submissions from 3 submitters: Likely pathogenic (1); Uncertain significance (1). 1 of the submissions does not count toward it. Last evaluated 2025-01-28.

Conditions:
Autosomal recessive congenital ichthyosis 2 (ARCI2). Identifiers: Orphanet 281122, Orphanet 79394, MedGen C3888093, MONDO:0009439, OMIM 242100.
Lamellar ichthyosis. Identifiers: Orphanet 313, MedGen C5848247, MONDO:0017778.

Allele frequency attached by ClinVar (database versions not stated): ExAC 0.00001; gnomAD 0.00001; gnomAD exomes 0.00001 and 0.00002; TOPMed 0.00001; ESP Exome Variant Server 0.00008.
gnomAD v4.1: 14 of 1,613,996 alleles (0.00087%); highest among the groups gnomAD compares: South Asian, 0.0044%; no homozygotes.

Submissions (3):

Women's Health and Genetics/Laboratory Corporation of America, LabCorp
Classification: Likely pathogenic for Lamellar ichthyosis. Last evaluated: 2025-01-28. Review status: criteria provided, single submitter. Criteria: LabCorp Variant Classification Summary - May 2015. Collection method: clinical testing. Allele origin: germline.
Comment: Variant summary: ALOX12B c.1495C>T (p.Arg499Cys) results in a non-conservative amino acid change located in the Lipoxygenase iron-binding catalytic domain (IPR013819) of the encoded protein sequence. Five of five in-silico tools predict a damaging effect of the variant on protein function. The variant allele was found at a frequency of 1.6e-05 in 251384 control chromosomes. c.1495C>T has been reported in the literature in individuals (including homozygous) affected with autosomal recessive congenital ichthyosis (example: Chiramel_2022, Hotz_2021). These data indicate that the variant is likely to be associated with disease. To our knowledge, no experimental evidence demonstrating an impact on protein function has been reported. The following publications have been ascertained in the context of this evaluation (PMID: 36003334, 35412663, 33435499). ClinVar contains an entry for this variant (Variation ID: 995748). Based on the evidence outlined above, the variant was classified as likely pathogenic.

GeneDx
Classification: Uncertain significance. Last evaluated: 2019-02-04. Review status: criteria provided, single submitter. Criteria: GeneDx Variant Classification Process June 2021. Collection method: clinical testing. Allele origin: germline. Affected: yes.
Comment: Has not been previously published as pathogenic or benign to our knowledge; Another missense variant in the same residue (R499H) has been reported in association with autosomal recessive congenital ichthyosis (Buckova et al., 2016) Buckova et al. (2016) Br. J. Dermatol. 174 (2):405-7 (PMID: 25998749); In silico analysis, which includes protein predictors and evolutionary conservation, supports a deleterious effect

Institute for Human Genetics, University Medical Center Freiburg
Classification: Pathogenic for Autosomal recessive congenital ichthyosis 2. Last evaluated: 2021-01-07. Review status: no assertion criteria provided. Collection method: clinical testing. Allele origin: unknown. Affected: yes. Not counted in ClinVar's aggregate classification.

Literature cited by the submitters: PubMed 33435499 (cited by Women's Health and Genetics/Laboratory Corporation of America, LabCorp); PubMed 36003334 (cited by Women's Health and Genetics/Laboratory Corporation of America, LabCorp); PubMed 35412663 (cited by Women's Health and Genetics/Laboratory Corporation of America, LabCorp).